The following is an entry in ClinVar:

NM_020745.4(AARS2):c.1753-13T>C

Gene: AARS2 (alanyl-tRNA synthetase 2, mitochondrial; minus strand). Cytogenetic location: 6p21.1.
Variant type: single nucleotide variant.
Coding change: c.1753-13T>C on transcript NM_020745.4 (MANE Select); 13 bases into the intron before coding-DNA position 1753, T replaced by C.
Molecular consequence: intron variant.
Genome position (GRCh38, 1-based): chr6:44,304,546, A>G on the plus strand (T>C on the coding strand, the complement: AARS2 is on the minus strand). VCF-style: chr6-44304546-A-G. GRCh37 (hg19) VCF-style: chr6-44272283-A-G.
Identifiers: ClinVar variation 136232 (VCV000136232.12), dbSNP rs80339975, ClinGen allele CA289211.

ClinVar aggregate classification (germline): Benign. Review status: criteria provided, multiple submitters, no conflicts (2 of 4 stars). 3 submissions from 3 submitters: Benign (3). Last evaluated 2026-01-27.

Conditions:
Combined oxidative phosphorylation defect type 8. Also called: CARDIOMYOPATHY, HYPERTROPHIC MITOCHONDRIAL, FATAL INFANTILE. Identifiers: Orphanet 319504, MedGen C4518839, MONDO:0013570, OMIM 614096.

Allele frequency attached by ClinVar (database versions not stated): ExAC 0.00502; gnomAD 0.01561 and 0.01667; ESP Exome Variant Server 0.01692; TOPMed 0.01712; 1000 Genomes Project 30x 0.02077; 1000 Genomes Project 0.02097.
gnomAD v4.1: 4,706 of 1,614,098 alleles (0.29%); highest among the groups gnomAD compares: African/African-American, 5.5%; 113 homozygotes.

Submissions (3):

Labcorp Genetics (formerly Invitae), Labcorp
Classification: Benign. Last evaluated: 2026-01-27. Review status: criteria provided, single submitter. Criteria: Invitae Variant Classification Sherloc (09022015). Collection method: clinical testing. Allele origin: germline.

Illumina Laboratory Services, Illumina
Classification: Benign for Combined oxidative phosphorylation defect type 8. Last evaluated: 2018-01-12. Review status: criteria provided, single submitter. Criteria: ICSL Variant Classification Criteria 13 December 2019. Collection method: clinical testing. Allele origin: germline.
Comment: This variant was observed in the ICSL laboratory as part of a predisposition screen in an ostensibly healthy population. It had not been previously curated by ICSL or reported in the Human Gene Mutation Database (HGMD: prior to June 1st, 2018), and was therefore a candidate for classification through an automated scoring system. Utilizing variant allele frequency, disease prevalence and penetrance estimates, and inheritance mode, an automated score was calculated to assess if this variant is too frequent to cause the disease. Based on the score and internal cut-off values, a variant classified as benign is not then subjected to further curation. The score for this variant resulted in a classification of benign for this disease.

GeneDx
Classification: Benign. Last evaluated: 2012-08-08. Review status: criteria provided, single submitter. Criteria: GeneDx Variant Classification (06012015). Collection method: clinical testing. Allele origin: germline. Affected: yes.
Comment: This variant is considered likely benign or benign based on one or more of the following criteria: it is a conservative change, it occurs at a poorly conserved position in the protein, it is predicted to be benign by multiple in silico algorithms, and/or has population frequency not consistent with disease.